The following is an entry in ClinVar:

ClinVar aggregate classification (germline): Uncertain significance (1 of 4 stars; one submission).

Submission:

GeneDx
Classification: Uncertain significance. Last evaluated: 2023-11-08. Review status: criteria provided, single submitter. Criteria: GeneDx Variant Classification Process June 2021. Collection method: clinical testing. Allele origin: germline. Affected: yes.
Comment: Not observed at significant frequency in large population cohorts (gnomAD); In-frame deletion of 1 amino acid and insertion of 2 amino acids in a non-repeat region; In silico analysis supports that this variant does not alter protein structure/function; Has not been previously published as pathogenic or benign to our knowledge

NM_001386135.1(AFF3):c.878delinsCTAA (p.Ser293delinsThrAsn)

Gene: AFF3 (ALF transcription elongation factor 3; minus strand). Cytogenetic location: 2q11.2.
Variant type: Indel.
Coding change: c.878delinsCTAA on transcript NM_001386135.1 (MANE Select); coding-DNA position 878, G replaced by CTAA.
Protein change: p.Ser293delinsThrAsn.
Molecular consequence: inframe indel.
Genome position (GRCh38, 1-based): chr2:99,837,520, C replaced by TTAG on the plus strand (G replaced by CTAA on the coding strand, the reverse complement: AFF3 is on the minus strand). VCF-style: chr2-99837520-C-TTAG. GRCh37 (hg19) VCF-style: chr2-100453982-C-TTAG.
Other names: c.953delinsCTAA, p.Ser318delinsThrAsn (NM_001025108.2); c.878delinsCTAA, p.Ser293delinsThrAsn (NM_002285.3).
Identifiers: ClinVar variation 3364020 (VCV003364020.1).